The following is an entry in ClinVar:

NM_001184.4(ATR):c.7295A>G (p.His2432Arg)

Gene: ATR (ATR checkpoint kinase; minus strand). Cytogenetic location: 3q23.
Variant type: single nucleotide variant.
Coding change: c.7295A>G on transcript NM_001184.4 (MANE Select); coding-DNA position 7295, A replaced by G.
Protein change: p.His2432Arg; replaces histidine 2432 with arginine.
Molecular consequence: missense variant.
Genome position (GRCh38, 1-based): chr3:142,459,281, T>C on the plus strand (A>G on the coding strand, the complement: ATR is on the minus strand). VCF-style: chr3-142459281-T-C. GRCh37 (hg19) VCF-style: chr3-142178123-T-C.
Other names: c.7103A>G, p.His2368Arg (NM_001354579.2); short protein forms H2432R, H2368R.
Identifiers: ClinVar variation 1758124 (VCV001758124.9), dbSNP rs1304591618, ClinGen allele CA354797348.

ClinVar aggregate classification (germline): Uncertain significance. Review status: criteria provided, multiple submitters, no conflicts (2 of 4 stars). 3 submissions from 3 submitters: Uncertain significance (3). Last evaluated 2025-01-24.

Conditions:
Inborn genetic diseases. Identifiers: MedGen C0950123, MeSH D030342.
Familial cutaneous telangiectasia and oropharyngeal predisposition cancer syndrome. Identifiers: Orphanet 313846, MedGen C3281203, MONDO:0013806, OMIM 614564.
Seckel syndrome 1 (SCKL1). Also called: MICROCEPHALIC PRIMORDIAL DWARFISM I. Identifiers: Orphanet 808, MedGen C4551474, MONDO:0008869, OMIM 210600.

Allele frequency attached by ClinVar (database versions not stated): gnomAD exomes 0.00001; TOPMed below 0.00001.
gnomAD v4.1: 21 of 1,613,984 alleles (0.0013%); highest among the groups gnomAD compares: Non-Finnish European, 0.0017%; no homozygotes.

Submissions (3):

Ambry Genetics
Classification: Uncertain significance for Inborn genetic diseases. Last evaluated: 2025-01-24. Review status: criteria provided, single submitter. Criteria: Ambry Variant Classification Scheme 2023. Collection method: clinical testing. Allele origin: germline.

Fulgent Genetics
Classification: Uncertain significance for Seckel syndrome 1; Familial cutaneous telangiectasia and oropharyngeal predisposition cancer syndrome. Last evaluated: 2024-03-29. Review status: criteria provided, single submitter. Criteria: ACMG Guidelines, 2015. Collection method: clinical testing. Allele origin: germline.

Labcorp Genetics (formerly Invitae), Labcorp
Classification: Uncertain significance. Last evaluated: 2021-12-25. Review status: criteria provided, single submitter. Criteria: Invitae Variant Classification Sherloc (09022015). Collection method: clinical testing. Allele origin: germline.
Comment: This sequence change replaces histidine, which is basic and polar, with arginine, which is basic and polar, at codon 2432 of the ATR protein (p.His2432Arg). This variant is present in population databases (no rsID available, gnomAD 0.0009%). This variant has not been reported in the literature in individuals affected with ATR-related conditions. Algorithms developed to predict the effect of missense changes on protein structure and function are either unavailable or do not agree on the potential impact of this missense change (SIFT: "Tolerated"; PolyPhen-2: "Probably Damaging"; Align-GVGD: "Class C0"). In summary, the available evidence is currently insufficient to determine the role of this variant in disease. Therefore, it has been classified as a Variant of Uncertain Significance.